The following is an entry in ClinVar:

ClinVar aggregate classification (germline): Uncertain significance (1 of 4 stars; one submission).

Conditions:
Inborn genetic diseases. Identifiers: MedGen C0950123, MeSH D030342.

Allele frequency attached by ClinVar (database versions not stated): gnomAD exomes below 0.00001.
gnomAD v4.1: 1 of 1,613,826 alleles (0.000062%); highest among the groups gnomAD compares: Admixed American, 0.0017%; no homozygotes.

Submission:

Ambry Genetics
Classification: Uncertain significance for Inborn genetic diseases. Last evaluated: 2025-11-24. Review status: criteria provided, single submitter. Criteria: Ambry Variant Classification Scheme 2023. Collection method: clinical testing. Allele origin: germline.
Comment: The c.767T>C (p.I256T) alteration is located in exon 5 (coding exon 5) of the TRPM3 gene. This alteration results from a T to C substitution at nucleotide position 767, causing the isoleucine (I) at amino acid position 256 to be replaced by a threonine (T). Based on data from gnomAD, the C allele has an overall frequency of <0.001% (1/251144) total alleles studied. The highest observed frequency was 0.003% (1/34536) of Latino alleles. Based on insufficient or conflicting evidence, the clinical significance of this alteration remains unclear.

NM_001366145.2(TRPM3):c.767T>C (p.Ile256Thr)

Gene: TRPM3 (transient receptor potential cation channel subfamily M member 3; minus strand). Cytogenetic location: 9q21.12.
Variant type: single nucleotide variant.
Coding change: c.767T>C on transcript NM_001366145.2 (MANE Select); coding-DNA position 767, T replaced by C.
Protein change: p.Ile256Thr; replaces isoleucine 256 with threonine.
Molecular consequence: missense variant.
Genome position (GRCh38, 1-based): chr9:70,843,037, A>G on the plus strand (T>C on the coding strand, the complement: TRPM3 is on the minus strand). VCF-style: chr9-70843037-A-G. GRCh37 (hg19) VCF-style: chr9-73457953-A-G.
Other names: c.773T>C, p.Ile258Thr (NM_001366143.2, NM_001366144.2, NM_001366141.2 and 1 more transcripts); c.767T>C, p.Ile256Thr (NM_001366146.2, NM_001366147.2, NM_001366148.2 and 6 more transcripts); c.308T>C, p.Ile103Thr (NM_001007470.3, NM_001366154.2, NM_020952.6 and 6 more transcripts); short protein forms I103T, I258T, I256T.
Identifiers: ClinVar variation 2284975 (VCV002284975.3), dbSNP rs1297002444, ClinGen allele CA373556333.
Genomic context (GRCh38, chr9:70,843,037, plus strand): 5'-GGAAAGCGACAGCACTCAGGACTTACATCTCTTCCAATGAGGTCCTCCTGGTTTTCCACA[A>G]TTCCCCAGGGGGCAATACCTATGGTGCATATCTTTCCTCGAGACTTAGAGGCATGATCCT-3'
Protein context (NP_001353074.1, residues 246-266): ICTIGIAPWG[Ile256Thr]VENQEDLIGR